The following is an entry in ClinVar:

NM_001369.3(DNAH5):c.1631C>T (p.Thr544Ile)

Gene: DNAH5 (dynein axonemal heavy chain 5; minus strand). Cytogenetic location: 5p15.2.
Variant type: single nucleotide variant.
Coding change: c.1631C>T on transcript NM_001369.3 (MANE Select); coding-DNA position 1631, C replaced by T.
Protein change: p.Thr544Ile; replaces threonine 544 with isoleucine.
Molecular consequence: missense variant.
Genome position (GRCh38, 1-based): chr5:13,911,399, G>A on the plus strand (C>T on the coding strand, the complement: DNAH5 is on the minus strand). VCF-style: chr5-13911399-G-A. GRCh37 (hg19) VCF-style: chr5-13911508-G-A.
Other names: short protein forms T544I.
Identifiers: ClinVar variation 351209 (VCV000351209.21), dbSNP rs118026202, ClinGen allele CA3204796.

ClinVar aggregate classification (germline): Benign/Likely benign. Review status: criteria provided, multiple submitters, no conflicts (2 of 4 stars). 6 submissions from 6 submitters: Benign (1); Likely benign (4). 1 of the submissions does not count toward it. Last evaluated 2026-01-15.

Conditions:
Primary ciliary dyskinesia. Also called: Ciliary dyskinesia. Identifiers: Orphanet 244, MedGen C0008780, MONDO:0016575, HP:0012265.
Primary ciliary dyskinesia 3. Identifiers: Orphanet 244, MedGen C1837618, MONDO:0012085, OMIM 608644.

Allele frequency attached by ClinVar (database versions not stated): gnomAD 0.00031 and 0.00044; gnomAD exomes 0.00041 and 0.00103; TOPMed 0.00064; ExAC 0.00101; 1000 Genomes Project 30x 0.00234; 1000 Genomes Project 0.00260.
gnomAD v4.1: 674 of 1,613,402 alleles (0.042%); highest among the groups gnomAD compares: East Asian, 1.4%; 9 homozygotes.

Submissions (6):

Labcorp Genetics (formerly Invitae), Labcorp
Classification: Benign for Primary ciliary dyskinesia. Last evaluated: 2026-01-15. Review status: criteria provided, single submitter. Criteria: Invitae Variant Classification Sherloc (09022015). Collection method: clinical testing. Allele origin: germline.

Blueprint Genetics
Classification: Likely benign. Last evaluated: 2024-09-06. Review status: criteria provided, single submitter. Criteria: ACMG Guidelines, 2015. Collection method: clinical testing. Allele origin: germline.

Fulgent Genetics
Classification: Likely benign for Primary ciliary dyskinesia 3. Last evaluated: 2021-10-01. Review status: criteria provided, single submitter. Criteria: ACMG Guidelines, 2015. Collection method: clinical testing. Allele origin: unknown.

Illumina Laboratory Services, Illumina
Classification: Likely benign for Primary ciliary dyskinesia 3. Last evaluated: 2018-01-13. Review status: criteria provided, single submitter. Criteria: ICSL Variant Classification Criteria 13 December 2019. Collection method: clinical testing. Allele origin: germline.
Comment: This variant was observed in the ICSL laboratory as part of a predisposition screen in an ostensibly healthy population. It had not been previously curated by ICSL or reported in the Human Gene Mutation Database (HGMD: prior to June 1st, 2018), and was therefore a candidate for classification through an automated scoring system. Utilizing variant allele frequency, disease prevalence and penetrance estimates, and inheritance mode, an automated score was calculated to assess if this variant is too frequent to cause the disease. Based on the score and internal cut-off values, a variant classified as likely benign is not then subjected to further curation. The score for this variant resulted in a classification of likely benign for this disease.

Ambry Genetics
Classification: Likely benign for Primary ciliary dyskinesia. Last evaluated: 2014-08-05. Review status: criteria provided, single submitter. Criteria: Ambry Variant Classification Scheme 2023. Collection method: clinical testing. Allele origin: germline.

Natera, Inc.
Classification: Benign for Primary ciliary dyskinesia. Last evaluated: 2020-09-16. Review status: no assertion criteria provided. Collection method: clinical testing. Allele origin: germline. Not counted in ClinVar's aggregate classification.